The following is an entry in ClinVar:

ClinVar aggregate classification (germline): Uncertain significance (1 of 4 stars; one submission).

Conditions:
Hereditary cancer-predisposing syndrome. Also called: Neoplastic Syndromes, Hereditary; Tumor predisposition; Hereditary Cancer Syndrome; Hereditary neoplastic syndrome. Identifiers: Orphanet 140162, MedGen C0027672, MeSH D009386, MONDO:0015356.

Submission:

Ambry Genetics
Classification: Uncertain significance for Hereditary cancer-predisposing syndrome. Last evaluated: 2025-08-19. Review status: criteria provided, single submitter. Criteria: Ambry Variant Classification Scheme 2023. Collection method: clinical testing. Allele origin: germline.
Comment: The p.N495H variant (also known as c.1483A>C), located in coding exon 11 of the SDHA gene, results from an A to C substitution at nucleotide position 1483. The asparagine at codon 495 is replaced by histidine, an amino acid with similar properties. This amino acid position is highly conserved in available vertebrate species. In addition, the in silico prediction for this alteration is inconclusive. Based on the available evidence, the clinical significance of this variant remains unclear.

NM_004168.4(SDHA):c.1483A>C (p.Asn495His)

Gene: SDHA (succinate dehydrogenase complex flavoprotein subunit A; plus strand). Cytogenetic location: 5p15.33.
Variant type: single nucleotide variant.
Coding change: c.1483A>C on transcript NM_004168.4 (MANE Select); coding-DNA position 1483, A replaced by C.
Protein change: p.Asn495His; replaces asparagine 495 with histidine.
Molecular consequence: missense variant.
Genome position (GRCh38, 1-based): chr5:240,408, A>C. VCF-style: chr5-240408-A-C. GRCh37 (hg19) VCF-style: chr5-240523-A-C.
Other names: c.1339A>C, p.Asn447His (NM_001294332.2); c.1483A>C, p.Asn495His (NM_001330758.2); short protein forms N447H, N495H.
Identifiers: ClinVar variation 4161200 (VCV004161200.1).
Genomic context (GRCh38, chr5:240,408, plus strand): 5'-TTTGTTTTAGGAGATAAAGTCCCTCCAATTAAACCAAACGCTGGGGAAGAATCTGTCATG[A>C]ATCTTGACAAATTGAGATTTGCTGATGGAAGCATAAGAACATCGGAACTGCGACTCAGCA-3'
Protein context (NP_004159.2, residues 485-505): KPNAGEESVM[Asn495His]LDKLRFADGS